The following is an entry in ClinVar:

NM_001330078.2(NRXN1):c.1526G>A (p.Arg509His)

Gene: NRXN1 (neurexin 1; minus strand). Cytogenetic location: 2p16.3.
Variant type: single nucleotide variant.
Coding change: c.1526G>A on transcript NM_001330078.2 (MANE Select); coding-DNA position 1526, G replaced by A.
Protein change: p.Arg509His; replaces arginine 509 with histidine.
Molecular consequence: missense variant.
Genome position (GRCh38, 1-based): chr2:50,552,820, C>T on the plus strand (G>A on the coding strand, the complement: NRXN1 is on the minus strand). VCF-style: chr2-50552820-C-T. GRCh37 (hg19) VCF-style: chr2-50779958-C-T.
Other names: c.1646G>A, p.Arg549His (NM_001135659.3); c.1502G>A, p.Arg501His (NM_001330077.2, NM_001330082.2, NM_001330095.2); c.1487G>A, p.Arg496His (NM_001330083.2, NM_001330084.2); c.1526G>A, p.Arg509His (NM_001330085.2, NM_001330086.2, NM_004801.6); c.1442G>A, p.Arg481His (NM_001330087.2, NM_001330096.2); c.1472G>A, p.Arg491His (NM_001330088.2); c.1523G>A, p.Arg508His (NM_001330093.2); c.1514G>A, p.Arg505His (NM_001330094.2); short protein forms R491H, R481H, R508H, R509H, R549H, R496H, R501H, R505H.
Identifiers: ClinVar variation 1777157 (VCV001777157.3), dbSNP rs372823663, ClinGen allele CA1655025.

ClinVar aggregate classification (germline): Uncertain significance. Review status: criteria provided, multiple submitters, no conflicts (2 of 4 stars). 2 submissions from 2 submitters: Uncertain significance (2). Last evaluated 2025-01-23.

Conditions:
Inborn genetic diseases. Identifiers: MedGen C0950123, MeSH D030342.

Allele frequency attached by ClinVar (database versions not stated): ESP Exome Variant Server 0.00017; ExAC 0.00002; gnomAD 0.00002; TOPMed 0.00003.
gnomAD v4.1: 8 of 1,613,706 alleles (0.0005%); highest among the groups gnomAD compares: African/African-American, 0.0013%; no homozygotes.

Submissions (2):

GeneDx
Classification: Uncertain significance. Last evaluated: 2025-01-23. Review status: criteria provided, single submitter. Criteria: GeneDx Variant Classification Process June 2021. Collection method: clinical testing. Allele origin: germline. Affected: yes.
Comment: In silico analysis supports that this missense variant has a deleterious effect on protein structure/function; Missense variant in a gene in which most reported pathogenic variants are truncating/loss of function; Has not been previously published as pathogenic or benign to our knowledge

Ambry Genetics
Classification: Uncertain significance for Inborn genetic diseases. Last evaluated: 2019-03-25. Review status: criteria provided, single submitter. Criteria: Ambry Variant Classification Scheme 2023. Collection method: clinical testing. Allele origin: germline.
Comment: The p.R549H variant (also known as c.1646G>A), located in coding exon 9 of the NRXN1 gene, results from a G to A substitution at nucleotide position 1646. The arginine at codon 549 is replaced by histidine, an amino acid with highly similar properties. This amino acid position is highly conserved in available vertebrate species. In addition, this alteration is predicted to be deleterious by in silico analysis. Since supporting evidence is limited at this time, the clinical significance of this alteration remains unclear.